The following is an entry in ClinVar:

NM_002109.6(HARS1):c.325dup (p.Glu109fs)

Gene: HARS1 (histidyl-tRNA synthetase 1; minus strand). Cytogenetic location: 5q31.3.
Variant type: Duplication.
Coding change: c.325dup on transcript NM_002109.6 (MANE Select); coding-DNA position 325, one base duplicated (G; older notation c.325dupG).
Protein change: p.Glu109fs; shifts the reading frame from glutamic acid 109.
Molecular consequence: frameshift variant. On other transcripts: intron variant (2).
Genome position (GRCh38, 1-based): chr5:140,679,859, C duplicated on the plus strand (G on the coding strand, the reverse complement: HARS1 is on the minus strand); the first of 4 consecutive C bases (chr5:140,679,859-140,679,862); duplicating any one gives the same sequence. VCF-style (leftmost placement, unchanged base first): chr5-140679858-T-TC. GRCh37 (hg19) VCF-style: chr5-140059443-T-TC.
Other names: c.205dup, p.Glu69fs (NM_001258040.3, NM_001258042.3); c.325dup, p.Glu109fs (NM_001258041.3); c.238dup, p.Glu80fs (NM_001289094.2); c.181-1844dup (NM_001289093.2); c.301-1844dup (NM_001289092.2); short protein forms E69fs, E80fs, E109fs.
Identifiers: ClinVar variation 3650554 (VCV003650554.2).

ClinVar aggregate classification (germline): Uncertain significance (1 of 4 stars; one submission).

Conditions:
Usher syndrome type 3B. Also called: USHER SYNDROME, TYPE IIIB. Identifiers: MedGen C3281066, MONDO:0013788, OMIM 614504.

Submission:

Labcorp Genetics (formerly Invitae), Labcorp
Classification: Uncertain significance for Usher syndrome type 3B. Last evaluated: 2024-04-27. Review status: criteria provided, single submitter. Criteria: Invitae Variant Classification Sherloc (09022015). Collection method: clinical testing. Allele origin: germline.
Comment: This sequence change creates a premature translational stop signal (p.Glu109Glyfs*8) in the HARS gene. It is expected to result in an absent or disrupted protein product. However, the current clinical and genetic evidence is not sufficient to establish whether loss-of-function variants in HARS cause disease. This variant is not present in population databases (gnomAD no frequency). This variant has not been reported in the literature in individuals affected with HARS-related conditions. In summary, the available evidence is currently insufficient to determine the role of this variant in disease. Therefore, it has been classified as a Variant of Uncertain Significance.